The following is an entry in ClinVar:

ClinVar aggregate classification (germline): Uncertain significance. Review status: criteria provided, multiple submitters, no conflicts (2 of 4 stars). 3 submissions from 3 submitters: Uncertain significance (3). Last evaluated 2026-04-15.

Conditions:
Autism (AUTS). Also called: Autistic disorder; Autistic disorder of childhood onset. Identifiers: MedGen C0004352, MeSH D001321, MONDO:0005260, OMIM 209850, HP:0000717.
PLXNA2-related disorder. Also called: PLXNA2-related condition.

Allele frequency attached by ClinVar (database versions not stated): gnomAD exomes 0.00017 and 0.00022; ExAC 0.00019; 1000 Genomes Project 30x 0.00031; ESP Exome Variant Server 0.00031; gnomAD 0.00035 and 0.00036; 1000 Genomes Project 0.00040; TOPMed 0.00055.
gnomAD v4.1: 328 of 1,614,134 alleles (0.02%); highest among the groups gnomAD compares: Admixed American, 0.078%; 1 homozygote.

Submissions (3):

PreventionGenetics, part of Exact Sciences
Classification: Uncertain significance for PLXNA2-related condition. Last evaluated: 2026-04-15. Review status: criteria provided, single submitter. Criteria: ACMG Guidelines, 2015. Collection method: clinical testing. Allele origin: germline.
Comment: The PLXNA2 c.614G>A variant is predicted to result in the amino acid substitution p.Arg205Gln. This variant has been reported in an individual with autism spectrum disorder who also had a second variant in PLXNA2; however, functional studies were inconclusive (Pijuan et al. 2021. PubMed ID: 33749153). This variant is reported in 0.068% of alleles in individuals of Latino descent in gnomAD, including one homozygous individual. Although we suspect this variant may be benign, at this time, the clinical significance of this variant is uncertain due to the absence of conclusive functional and genetic evidence.

Plataforma de Genómica Funcional - SJD, Institut De Recerca Sant Joan De Déu
Classification: Uncertain significance for Autism. Last evaluated: 2025-10-23. Review status: criteria provided, single submitter. Criteria: ACMG Guidelines, 2015. Collection method: clinical testing. Allele origin: maternal. Inheritance: Autosomal recessive inheritance. Affected: yes. Observed: 1 variant allele, 1 heterozygote.
Comment: The c.614G>A variant in PLXNA2 (NM_025179.3) results in a missense substitution, replacing arginine with glutamine at position 205 (p.(Arg1205Gln)). This variant is present in population databases with an extremely low allele frequency (gnomAD v4.1; PM2_supporting). This variant was observed in a homozygous state in population databases (gnomAD v4.1, homozygous count: 1, BS2_supporting). The computational predictor REVEL unanimously support a benign effect on the gene (REVEL score of 0.111, BP4). This variant has been identified in cis with another VUS c.4904G>A/p.(Arg1635Gln) (VCV001510603.8) and with the homozygous LRRC40 c.1461G>T/p.(Leu487Phe) in an individual with ASD (PMID: 33749153). Functional studies performed in patient's fibroblasts showed inconclusive results (PMID: 33749153). In summary, this variant is considered classified as Variant of Uncertain Significance.

Labcorp Genetics (formerly Invitae), Labcorp
Classification: Uncertain significance. Last evaluated: 2025-04-22. Review status: criteria provided, single submitter. Criteria: Invitae Variant Classification Sherloc (09022015). Collection method: clinical testing. Allele origin: germline.
Comment: This sequence change replaces arginine, which is basic and polar, with glutamine, which is neutral and polar, at codon 205 of the PLXNA2 protein (p.Arg205Gln). This variant is present in population databases (rs149833033, gnomAD 0.07%), and has an allele count higher than expected for a pathogenic variant. This missense change has been observed in individual(s) with clinical features of PLXNA2-related conditions (PMID: 33749153). ClinVar contains an entry for this variant (Variation ID: 1442819). Invitae Evidence Modeling of protein sequence and biophysical properties (such as structural, functional, and spatial information, amino acid conservation, physicochemical variation, residue mobility, and thermodynamic stability) indicates that this missense variant is not expected to disrupt PLXNA2 protein function with a negative predictive value of 80%. In summary, the available evidence is currently insufficient to determine the role of this variant in disease. Therefore, it has been classified as a Variant of Uncertain Significance.

Literature cited by the submitters: PubMed 33749153 (cited by Plataforma de Genómica Funcional - SJD, Institut De Recerca Sant Joan De Déu and Labcorp Genetics (formerly Invitae), Labcorp).

NM_025179.4(PLXNA2):c.614G>A (p.Arg205Gln)

Gene: PLXNA2 (plexin A2; minus strand). Cytogenetic location: 1q32.2.
Variant type: single nucleotide variant.
Coding change: c.614G>A on transcript NM_025179.4 (MANE Select); coding-DNA position 614, G replaced by A.
Protein change: p.Arg205Gln; replaces arginine 205 with glutamine.
Molecular consequence: missense variant.
Genome position (GRCh38, 1-based): chr1:208,217,309, C>T on the plus strand (G>A on the coding strand, the complement: PLXNA2 is on the minus strand). VCF-style: chr1-208217309-C-T. GRCh37 (hg19) VCF-style: chr1-208390654-C-T.
Other names: c.614G>A (NM_025179.3); short protein forms R205Q.
Identifiers: ClinVar variation 1442819 (VCV001442819.11), dbSNP rs149833033, ClinGen allele CA1374046.
Genomic context (GRCh38, chr1:208,217,309, plus strand): 5'-AGAGAGGAGACAAAATCGCTGTGTAGCTCATAGTCGAGCATGGCTGAGGACTCAGGGTCT[C>T]GGGGCAGCTTCCGGCTGGACAGGGTCGGGAAGTAATCCTGCTTCCCATCCACAGCCGTGC-3'
Protein context (NP_079455.3, residues 195-215): FPTLSSRKLP[Arg205Gln]DPESSAMLDY